The following is an entry in ClinVar:

ClinVar aggregate classification (germline): Uncertain significance (1 of 4 stars; one submission).

Conditions:
RFT1-congenital disorder of glycosylation (CDG1N). Also called: CDG In; Congenital disorder of glycosylation type In; RFT1-CDG. Identifiers: Orphanet 244310, MedGen C2677590, MONDO:0012783, OMIM 612015.

Allele frequency attached by ClinVar (database versions not stated): gnomAD 0.00001; TOPMed 0.00001.
gnomAD v4.1: 8 of 1,565,974 alleles (0.00051%); highest among the groups gnomAD compares: Non-Finnish European, 0.00052%; no homozygotes.

Submission:

Labcorp Genetics (formerly Invitae), Labcorp
Classification: Uncertain significance for RFT1-congenital disorder of glycosylation. Last evaluated: 2022-03-12. Review status: criteria provided, single submitter. Criteria: Invitae Variant Classification Sherloc (09022015). Collection method: clinical testing. Allele origin: germline.
Comment: This sequence change replaces arginine, which is basic and polar, with glycine, which is neutral and non-polar, at codon 12 of the RFT1 protein (p.Arg12Gly). This variant is present in population databases (no rsID available, gnomAD 0.003%). This variant has not been reported in the literature in individuals affected with RFT1-related conditions. Algorithms developed to predict the effect of missense changes on protein structure and function are either unavailable or do not agree on the potential impact of this missense change (SIFT: "Tolerated"; PolyPhen-2: "Probably Damaging"; Align-GVGD: "Class C0"). In summary, the available evidence is currently insufficient to determine the role of this variant in disease. Therefore, it has been classified as a Variant of Uncertain Significance.

NM_052859.4(RFT1):c.34C>G (p.Arg12Gly)

Genes: RFT1 (RFT1 glycolipid translocator homolog; minus strand), LOC129936883 (ATAC-STARR-seq lymphoblastoid active region 19954; plus strand). Cytogenetic location: 3p21.1.
Variant type: single nucleotide variant.
Coding change: c.34C>G on transcript NM_052859.4 (MANE Select); coding-DNA position 34, C replaced by G.
Protein change: p.Arg12Gly; replaces arginine 12 with glycine.
Molecular consequence: missense variant.
Genome position (GRCh38, 1-based): chr3:53,130,367, G>C on the plus strand (C>G on the coding strand, the complement: RFT1 is on the minus strand). VCF-style: chr3-53130367-G-C. GRCh37 (hg19) VCF-style: chr3-53164383-G-C.
Other names: short protein forms R12G.
Identifiers: ClinVar variation 2194176 (VCV002194176.1), dbSNP rs748244290, ClinGen allele CA353225174.